The following is an entry in ClinVar:

NM_004281.4(BAG3):c.341A>G (p.Tyr114Cys)

Gene: BAG3 (BAG cochaperone 3; plus strand). Cytogenetic location: 10q26.11.
Variant type: single nucleotide variant.
Coding change: c.341A>G on transcript NM_004281.4 (MANE Select); coding-DNA position 341, A replaced by G.
Protein change: p.Tyr114Cys; replaces tyrosine 114 with cysteine.
Molecular consequence: missense variant.
Genome position (GRCh38, 1-based): chr10:119,670,011, A>G. VCF-style: chr10-119670011-A-G. GRCh37 (hg19) VCF-style: chr10-121429523-A-G.
Other names: short protein forms Y114C.
Identifiers: ClinVar variation 636634 (VCV000636634.4), dbSNP rs769813479, ClinGen allele CA5716302.

ClinVar aggregate classification (germline): Uncertain significance (1 of 4 stars; one submission).

Conditions:
Myofibrillar myopathy 6. Identifiers: Orphanet 199340, MedGen C2751831, MONDO:0013061, OMIM 612954.
Dilated cardiomyopathy 1HH (CMD1HH). Identifiers: Orphanet 154, MedGen C3151293, MONDO:0013479, OMIM 613881.

Allele frequency attached by ClinVar (database versions not stated): ExAC 0.00001; gnomAD exomes 0.00001.
gnomAD v4.1: 4 of 1,614,164 alleles (0.00025%); highest among the groups gnomAD compares: Admixed American, 0.0017%; no homozygotes.

Submission:

Labcorp Genetics (formerly Invitae), Labcorp
Classification: Uncertain significance for Dilated cardiomyopathy 1HH; Myofibrillar myopathy 6. Last evaluated: 2023-09-06. Review status: criteria provided, single submitter. Criteria: Invitae Variant Classification Sherloc (09022015). Collection method: clinical testing. Allele origin: germline.
Comment: In summary, the available evidence is currently insufficient to determine the role of this variant in disease. Therefore, it has been classified as a Variant of Uncertain Significance. Advanced modeling of protein sequence and biophysical properties (such as structural, functional, and spatial information, amino acid conservation, physicochemical variation, residue mobility, and thermodynamic stability) performed at Invitae indicates that this missense variant is not expected to disrupt BAG3 protein function. ClinVar contains an entry for this variant (Variation ID: 636634). This variant has not been reported in the literature in individuals affected with BAG3-related conditions. This variant is present in population databases (rs769813479, gnomAD 0.0009%). This sequence change replaces tyrosine, which is neutral and polar, with cysteine, which is neutral and slightly polar, at codon 114 of the BAG3 protein (p.Tyr114Cys).